The following is an entry in ClinVar:

ClinVar aggregate classification (germline): Conflicting classifications of pathogenicity. Review status: criteria provided, conflicting classifications (1 of 4 stars). 2 submissions from 2 submitters: Uncertain significance (1); Likely benign (1). Last evaluated 2023-11-06.

Conditions:
Inborn genetic diseases. Identifiers: MedGen C0950123, MeSH D030342.

Allele frequency attached by ClinVar (database versions not stated): gnomAD exomes 0.00001; TOPMed 0.00002; ExAC 0.00003; gnomAD 0.00003; 1000 Genomes Project 0.00040; 1000 Genomes Project 30x 0.00047.
gnomAD v4.1: 17 of 1,605,632 alleles (0.0011%); highest among the groups gnomAD compares: East Asian, 0.036%; no homozygotes.

Submissions (2):

Ambry Genetics
Classification: Likely benign for Inborn genetic diseases. Last evaluated: 2023-11-06. Review status: criteria provided, single submitter. Criteria: Ambry Variant Classification Scheme 2023. Collection method: clinical testing. Allele origin: germline.

Labcorp Genetics (formerly Invitae), Labcorp
Classification: Uncertain significance. Last evaluated: 2023-08-02. Review status: criteria provided, single submitter. Criteria: Invitae Variant Classification Sherloc (09022015). Collection method: clinical testing. Allele origin: germline.
Comment: In summary, the available evidence is currently insufficient to determine the role of this variant in disease. Therefore, it has been classified as a Variant of Uncertain Significance. Algorithms developed to predict the effect of missense changes on protein structure and function output the following: SIFT: "Not Available"; PolyPhen-2: "Not Available"; Align-GVGD: "Not Available". The serine amino acid residue is found in multiple mammalian species, which suggests that this missense change does not adversely affect protein function. ClinVar contains an entry for this variant (Variation ID: 1952667). This variant has not been reported in the literature in individuals affected with PCLO-related conditions. The frequency data for this variant in the population databases is considered unreliable, as metrics indicate poor data quality at this position in the gnomAD database. This sequence change replaces proline, which is neutral and non-polar, with serine, which is neutral and polar, at codon 892 of the PCLO protein (p.Pro892Ser).

NM_033026.6(PCLO):c.2674C>T (p.Pro892Ser)

Gene: PCLO (piccolo presynaptic cytomatrix protein; minus strand). Cytogenetic location: 7q21.11.
Variant type: single nucleotide variant.
Coding change: c.2674C>T on transcript NM_033026.6 (MANE Select); coding-DNA position 2674, C replaced by T.
Protein change: p.Pro892Ser; replaces proline 892 with serine.
Molecular consequence: missense variant.
Genome position (GRCh38, 1-based): chr7:83,134,876, G>A on the plus strand (C>T on the coding strand, the complement: PCLO is on the minus strand). VCF-style: chr7-83134876-G-A. GRCh37 (hg19) VCF-style: chr7-82764192-G-A.
Other names: c.2674C>T (NM_033026.5); c.2674C>T, p.Pro892Ser (NM_014510.3); short protein forms P892S.
Identifiers: ClinVar variation 1952667 (VCV001952667.6), dbSNP rs191499757, ClinGen allele CA4321226.